The following is an entry in ClinVar:

ClinVar aggregate classification (germline): Uncertain significance. Review status: criteria provided, multiple submitters, no conflicts (2 of 4 stars). 2 submissions from 2 submitters: Uncertain significance (2). Last evaluated 2025-01-27.

Allele frequency attached by ClinVar (database versions not stated): ExAC 0.00001.
gnomAD v4.1: 3 of 1,614,166 alleles (0.00019%); highest among the groups gnomAD compares: Non-Finnish European, 0.00025%; no homozygotes.

Submissions (2):

Ambry Genetics
Classification: Uncertain significance. Last evaluated: 2025-01-27. Review status: criteria provided, single submitter. Criteria: Ambry Variant Classification Scheme 2023. Collection method: clinical testing. Allele origin: germline.

Labcorp Genetics (formerly Invitae), Labcorp
Classification: Uncertain significance. Last evaluated: 2019-12-07. Review status: criteria provided, single submitter. Criteria: Invitae Variant Classification Sherloc (09022015). Collection method: clinical testing. Allele origin: germline.
Comment: In summary, the available evidence is currently insufficient to determine the role of this variant in disease. Therefore, it has been classified as a Variant of Uncertain Significance. Algorithms developed to predict the effect of missense changes on protein structure and function (SIFT, PolyPhen-2, Align-GVGD) all suggest that this variant is likely to be tolerated, but these predictions have not been confirmed by published functional studies and their clinical significance is uncertain. This variant has not been reported in the literature in individuals with RINT1-related disease. ClinVar contains an entry for this variant (Variation ID: 410795). This variant is present in population databases (rs747465384, ExAC 0.001%). This sequence change replaces glutamine with arginine at codon 289 of the RINT1 protein (p.Gln289Arg). The glutamine residue is moderately conserved and there is a small physicochemical difference between glutamine and arginine.

NM_021930.6(RINT1):c.866A>G (p.Gln289Arg)

Gene: RINT1 (RAD50 interactor 1; plus strand). Cytogenetic location: 7q22.3.
Variant type: single nucleotide variant.
Coding change: c.866A>G on transcript NM_021930.6 (MANE Select); coding-DNA position 866, A replaced by G.
Protein change: p.Gln289Arg; replaces glutamine 289 with arginine.
Molecular consequence: missense variant. On other transcripts: 5 prime UTR variant (2), non-coding transcript variant (1), intron variant (1).
Genome position (GRCh38, 1-based): chr7:105,548,580, A>G. VCF-style: chr7-105548580-A-G. GRCh37 (hg19) VCF-style: chr7-105189027-A-G.
Other names: c.632A>G, p.Gln211Arg (NM_001346599.2); c.-154A>G (NM_001346600.2); c.-59A>G (NM_001346601.2); c.-27-1475A>G (NM_001346603.2); short protein forms Q289R, Q211R.
Identifiers: ClinVar variation 410795 (VCV000410795.13), dbSNP rs747465384, ClinGen allele CA4426554.